The following is an entry in ClinVar:

NM_001145026.2(PTPRQ):c.2621C>A (p.Ser874Ter)

Gene: PTPRQ (protein tyrosine phosphatase receptor type Q; plus strand). Cytogenetic location: 12q21.31.
Variant type: single nucleotide variant.
Coding change: c.2621C>A on transcript NM_001145026.2 (MANE Select); coding-DNA position 2621, C replaced by A.
Protein change: p.Ser874Ter; replaces serine 874 with a stop codon.
Molecular consequence: nonsense.
Genome position (GRCh38, 1-based): chr12:80,510,386, C>A. VCF-style: chr12-80510386-C-A. GRCh37 (hg19) VCF-style: chr12-80904165-C-A.
Other names: short protein forms S874*.
Identifiers: ClinVar variation 2582600 (VCV002582600.3), dbSNP rs948217913, ClinGen allele CA240228699.

ClinVar aggregate classification (germline): Likely pathogenic. Review status: criteria provided, multiple submitters, no conflicts (2 of 4 stars). 2 submissions from 2 submitters: Likely pathogenic (2). Last evaluated 2026-04-30.

Conditions:
Autosomal recessive nonsyndromic hearing loss 84A. Also called: DEAFNESS, AUTOSOMAL RECESSIVE 84A; DEAFNESS, AUTOSOMAL RECESSIVE 84A, WITH VESTIBULAR DYSFUNCTION. Identifiers: Orphanet 90636, MedGen C3150654, MONDO:0013249, OMIM 613391.
Hearing loss, autosomal dominant 73. Also called: DEAFNESS, AUTOSOMAL DOMINANT 73. Identifiers: MedGen C4540024, MONDO:0033260, OMIM 617663.

gnomAD v4.1: 8 of 1,550,496 alleles (0.00052%); highest among the groups gnomAD compares: Admixed American, 0.0039%; no homozygotes.

Submissions (2):

Laboratory of Molecular, Cellular and Translation Genetics in Otolaryngology/ Lim32-hcfmusp, University of Sao Paulo School of Medicine Clinics Hospital
Classification: Likely pathogenic for Hearing loss, autosomal dominant 73. Last evaluated: 2026-04-30. Review status: criteria provided, single submitter. Criteria: ACMG Guidelines, 2015. Collection method: research. Allele origin: germline. Affected: yes.
Comment: NM_001145026.2:c.2621C>A:p.(Ser874*). This variant has been classified as likely pathogenic. It is a nonsense (loss-of-function) variant in PTPRQ, a gene in which loss of function is an established disease mechanism (PVS1). It is very rare in population databases (PM2). As PTPRQ-related hearing loss typically follows an autosomal recessive inheritance pattern, and a second pathogenic variant was not identified, the available evidence is insufficient to establish a causal role for this variant in this individual as described in PMID: 42233699.

Baylor Genetics
Classification: Likely pathogenic for Autosomal recessive nonsyndromic hearing loss 84A. Last evaluated: 2023-08-16. Review status: criteria provided, single submitter. Criteria: ACMG Guidelines, 2015. Collection method: clinical testing. Allele origin: unknown.

Literature cited by the submitters: PubMed 42233699 (cited by Laboratory of Molecular, Cellular and Translation Genetics in Otolaryngology/ Lim32-hcfmusp, University of Sao Paulo School of Medicine Clinics Hospital).